The following is an entry in ClinVar:

ClinVar aggregate classification (germline): Likely benign. Review status: criteria provided, multiple submitters, no conflicts (2 of 4 stars). 3 submissions from 3 submitters: Likely benign (2). 1 of the submissions does not count toward it. Last evaluated 2025-05-01.

Conditions:
PALLD-related disorder. Also called: PALLD-related condition.

Allele frequency attached by ClinVar (database versions not stated): gnomAD exomes 0.00006; ExAC 0.00008; ESP Exome Variant Server 0.00023; gnomAD 0.00028; TOPMed 0.00040.
gnomAD v4.1: 131 of 1,612,938 alleles (0.0081%); highest among the groups gnomAD compares: African/African-American, 0.096%; 1 homozygote.

Submissions (3):

CeGaT Center for Human Genetics Tuebingen
Classification: Likely benign. Last evaluated: 2025-05-01. Review status: criteria provided, single submitter. Criteria: CeGaT Center For Human Genetics Tuebingen Variant Classification Criteria Version 2. Collection method: clinical testing. Allele origin: germline. Affected: yes. Observed: 1 variant allele.
Comment: PALLD: BP4, BP7

Ambry Genetics
Classification: Likely benign. Last evaluated: 2022-02-17. Review status: criteria provided, single submitter. Criteria: Ambry Variant Classification Scheme 2023. Collection method: clinical testing. Allele origin: germline.

PreventionGenetics, part of Exact Sciences
Classification: Likely benign for PALLD-related condition. Last evaluated: 2019-07-03. Review status: no assertion criteria provided. Collection method: clinical testing. Allele origin: germline. Not counted in ClinVar's aggregate classification.
Comment: This variant is classified as likely benign based on ACMG/AMP sequence variant interpretation guidelines (Richards et al. 2015 PMID: 25741868, with internal and published modifications).

NM_001166108.2(PALLD):c.1524C>T (p.Ile508=)

Gene: PALLD (palladin, cytoskeletal associated protein; plus strand). Cytogenetic location: 4q32.3.
Variant type: single nucleotide variant.
Coding change: c.1524C>T on transcript NM_001166108.2 (MANE Select); coding-DNA position 1524, C replaced by T.
Protein change: p.Ile508=; no amino-acid change (isoleucine 508 retained).
Molecular consequence: synonymous variant.
Genome position (GRCh38, 1-based): chr4:168,709,050, C>T. VCF-style: chr4-168709050-C-T. GRCh37 (hg19) VCF-style: chr4-169630201-C-T.
Other names: c.378C>T, p.Ile126= (NM_001166109.2); c.1524C>T, p.Ile508= (NM_016081.4).
Identifiers: ClinVar variation 1774493 (VCV001774493.14), dbSNP rs367564484, ClinGen allele CA3135669.